The following is an entry in ClinVar:

NM_001267550.2(TTN):c.6040A>G (p.Thr2014Ala)

Gene: TTN (titin; minus strand). Cytogenetic location: 2q31.2.
Variant type: single nucleotide variant.
Coding change: c.6040A>G on transcript NM_001267550.2 (MANE Select); coding-DNA position 6040, A replaced by G.
Protein change: p.Thr2014Ala; replaces threonine 2014 with alanine.
Molecular consequence: missense variant.
Genome position (GRCh38, 1-based): chr2:178,775,824, T>C on the plus strand (A>G on the coding strand, the complement: TTN is on the minus strand). VCF-style: chr2-178775824-T-C. GRCh37 (hg19) VCF-style: chr2-179640551-T-C.
Other names: c.6040A>G, p.Thr2014Ala (NM_001256850.1, NM_133378.4, NM_133379.5); c.5902A>G, p.Thr1968Ala (NM_003319.4, NM_133432.3, NM_133437.4); short protein forms T1968A, T2014A.
Identifiers: ClinVar variation 701243 (VCV000701243.16), dbSNP rs180672509, ClinGen allele CA2005111.

ClinVar aggregate classification (germline): Likely benign. Review status: criteria provided, multiple submitters, no conflicts (2 of 4 stars). 3 submissions from 3 submitters: Likely benign (2). 1 of the submissions does not count toward it. Last evaluated 2025-12-22.

Conditions:
TTN-related disorder. Also called: TTN-related condition; TTN-related disease; TTN-related disorders.
Dilated cardiomyopathy 1G (CMD1G). Identifiers: Orphanet 154, MedGen C1858763, MONDO:0011400, OMIM 604145.
Autosomal recessive limb-girdle muscular dystrophy type 2J (LGMDR10). Also called: Limb-girdle muscular dystrophy, type 2J; MUSCULAR DYSTROPHY, LIMB-GIRDLE, AUTOSOMAL RECESSIVE 10. Identifiers: Orphanet 140922, MedGen C1837342, MONDO:0012127, OMIM 608807.

Allele frequency attached by ClinVar (database versions not stated): gnomAD exomes 0.00003 and 0.00015; gnomAD 0.00004 and 0.00006; TOPMed 0.00005; ExAC 0.00013; 1000 Genomes Project 0.00060; 1000 Genomes Project 30x 0.00078.
gnomAD v4.1: 49 of 1,614,014 alleles (0.003%); highest among the groups gnomAD compares: East Asian, 0.11%; no homozygotes.

Submissions (3):

Labcorp Genetics (formerly Invitae), Labcorp
Classification: Likely benign for Dilated cardiomyopathy 1G; Autosomal recessive limb-girdle muscular dystrophy type 2J. Last evaluated: 2025-12-22. Review status: criteria provided, single submitter. Criteria: Invitae Variant Classification Sherloc (09022015). Collection method: clinical testing. Allele origin: germline.

GeneDx
Classification: Likely benign. Last evaluated: 2020-05-20. Review status: criteria provided, single submitter. Criteria: GeneDx Variant Classification Process June 2021. Collection method: clinical testing. Allele origin: germline. Affected: yes.

PreventionGenetics, part of Exact Sciences
Classification: Likely benign for TTN-related condition. Last evaluated: 2022-01-26. Review status: no assertion criteria provided. Collection method: clinical testing. Allele origin: germline. Not counted in ClinVar's aggregate classification.
Comment: This variant is classified as likely benign based on ACMG/AMP sequence variant interpretation guidelines (Richards et al. 2015 PMID: 25741868, with internal and published modifications).